The following is an entry in ClinVar:

NM_000557.5(GDF5):c.1000C>G (p.Arg334Gly)

Genes: GDF5 (growth differentiation factor 5; minus strand), GDF5-AS1 (GDF5 antisense RNA 1; plus strand). Cytogenetic location: 20q11.22.
Variant type: single nucleotide variant.
Coding change: c.1000C>G on transcript NM_000557.5 (MANE Select); coding-DNA position 1000, C replaced by G.
Protein change: p.Arg334Gly; replaces arginine 334 with glycine.
Molecular consequence: missense variant. On other transcripts: non-coding transcript variant (1).
Genome position (GRCh38, 1-based): chr20:35,434,415, G>C on the plus strand (C>G on the coding strand, the complement: GDF5 is on the minus strand). VCF-style: chr20-35434415-G-C. GRCh37 (hg19) VCF-style: chr20-34022213-G-C.
Other names: c.1000C>G (NM_000557.4); c.1000C>G, p.Arg334Gly (NM_001319138.2); short protein forms R334G.
Identifiers: ClinVar variation 338318 (VCV000338318.16), dbSNP rs140895068, ClinGen allele CA9832191.

ClinVar aggregate classification (germline): Benign/Likely benign. Review status: criteria provided, multiple submitters, no conflicts (2 of 4 stars). 8 submissions from 4 submitters: Benign (3); Likely benign (4). 1 of the submissions does not count toward it. Last evaluated 2026-01-19.

Conditions:
GDF5-related disorder. Also called: GDF5-related condition; GDF5 (CDMP1)-related disorder. Identifiers: MedGen CN169990.
Brachydactyly. Also called: Brachydactyly syndrome; Brachydactyly (disease). Identifiers: MedGen C0221357, MONDO:0021004, HP:0001156.
Multiple synostoses syndrome 2 (SYNS2). Identifiers: Orphanet 3237, MedGen C1832708, MONDO:0012394, OMIM 610017.
Acromesomelic dysplasia 2B. Also called: DU PAN SYNDROME. Identifiers: Orphanet 2639, MedGen C1856738, MONDO:0009231, OMIM 228900.
Grebe syndrome. Also called: ACROMESOMELIC DYSPLASIA, GREBE TYPE; GREBE DYSPLASIA; ACROMESOMELIC DYSPLASIA 2A. Identifiers: Orphanet 2098, MedGen C0265260, MONDO:0008703, OMIM 200700.
Acromesomelic dysplasia 2C, Hunter-Thompson type. Also called: Acromesomelic dysplasia, Hunter-Thompson type. Identifiers: Orphanet 968, MedGen C2930970, MONDO:0008717, OMIM 201250.

Allele frequency attached by ClinVar (database versions not stated): TOPMed 0.00007; ExAC 0.00154; 1000 Genomes Project 30x 0.00422; 1000 Genomes Project 0.00459.

Submissions (8):

Labcorp Genetics (formerly Invitae), Labcorp
Classification: Benign. Last evaluated: 2026-01-19. Review status: criteria provided, single submitter. Criteria: Invitae Variant Classification Sherloc (09022015). Collection method: clinical testing. Allele origin: germline.

Blueprint Genetics
Classification: Likely benign. Last evaluated: 2024-10-23. Review status: criteria provided, single submitter. Criteria: ACMG Guidelines, 2015. Collection method: clinical testing. Allele origin: germline.

Illumina Laboratory Services, Illumina
Classification: Likely benign for Grebe syndrome. Last evaluated: 2018-01-13. Review status: criteria provided, single submitter. Criteria: ICSL Variant Classification Criteria 13 December 2019. Collection method: clinical testing. Allele origin: germline.
Comment: This variant was observed in the ICSL laboratory as part of a predisposition screen in an ostensibly healthy population. It had not been previously curated by ICSL or reported in the Human Gene Mutation Database (HGMD: prior to June 1st, 2018), and was therefore a candidate for classification through an automated scoring system. Utilizing variant allele frequency, disease prevalence and penetrance estimates, and inheritance mode, an automated score was calculated to assess if this variant is too frequent to cause the disease. Based on the score and internal cut-off values, a variant classified as likely benign is not then subjected to further curation. The score for this variant resulted in a classification of likely benign for this disease.

Illumina Laboratory Services, Illumina
Classification: Benign for Multiple synostoses syndrome 2. Last evaluated: 2018-01-13. Review status: criteria provided, single submitter. Criteria: ICSL Variant Classification Criteria 13 December 2019. Collection method: clinical testing. Allele origin: germline.
Comment: This variant was observed in the ICSL laboratory as part of a predisposition screen in an ostensibly healthy population. It had not been previously curated by ICSL or reported in the Human Gene Mutation Database (HGMD: prior to June 1st, 2018), and was therefore a candidate for classification through an automated scoring system. Utilizing variant allele frequency, disease prevalence and penetrance estimates, and inheritance mode, an automated score was calculated to assess if this variant is too frequent to cause the disease. Based on the score and internal cut-off values, a variant classified as benign is not then subjected to further curation. The score for this variant resulted in a classification of benign for this disease.

Illumina Laboratory Services, Illumina
Classification: Benign for Brachydactyly. Last evaluated: 2018-01-13. Review status: criteria provided, single submitter. Criteria: ICSL Variant Classification Criteria 13 December 2019. Collection method: clinical testing. Allele origin: germline.
Comment: the same text as in the submission from Illumina Laboratory Services, Illumina above.

Illumina Laboratory Services, Illumina
Classification: Likely benign for Fibular hypoplasia and complex brachydactyly. Last evaluated: 2018-01-13. Review status: criteria provided, single submitter. Criteria: ICSL Variant Classification Criteria 13 December 2019. Collection method: clinical testing. Allele origin: germline.
Comment: the same text as in the submission from Illumina Laboratory Services, Illumina above.

Illumina Laboratory Services, Illumina
Classification: Likely benign for Acromesomelic dysplasia 2C, Hunter-Thompson type. Last evaluated: 2018-01-13. Review status: criteria provided, single submitter. Criteria: ICSL Variant Classification Criteria 13 December 2019. Collection method: clinical testing. Allele origin: germline.
Comment: the same text as in the submission from Illumina Laboratory Services, Illumina above.

PreventionGenetics, part of Exact Sciences
Classification: Likely benign for GDF5-related condition. Last evaluated: 2023-12-04. Review status: no assertion criteria provided. Collection method: clinical testing. Allele origin: germline. Not counted in ClinVar's aggregate classification.
Comment: This variant is classified as likely benign based on ACMG/AMP sequence variant interpretation guidelines (Richards et al. 2015 PMID: 25741868, with internal and published modifications).